The following is an entry in ClinVar:

NM_000632.4(ITGAM):c.2414C>G (p.Thr805Ser)

Gene: ITGAM (integrin subunit alpha M; plus strand). Cytogenetic location: 16p11.2.
Variant type: single nucleotide variant.
Coding change: c.2414C>G on transcript NM_000632.4 (MANE Select); coding-DNA position 2414, C replaced by G.
Protein change: p.Thr805Ser; replaces threonine 805 with serine.
Molecular consequence: missense variant.
Genome position (GRCh38, 1-based): chr16:31,325,313, C>G. VCF-style: chr16-31325313-C-G. GRCh37 (hg19) VCF-style: chr16-31336634-C-G.
Other names: c.2417C>G, p.Thr806Ser (NM_001145808.2); short protein forms T806S, T805S.
Identifiers: ClinVar variation 2772814 (VCV002772814.3), dbSNP rs764034739, ClinGen allele CA8025820.

ClinVar aggregate classification (germline): Uncertain significance (1 of 4 stars; one submission).

Allele frequency attached by ClinVar (database versions not stated): gnomAD exomes below 0.00001; ExAC 0.00001.

Submission:

Labcorp Genetics (formerly Invitae), Labcorp
Classification: Uncertain significance. Last evaluated: 2023-10-29. Review status: criteria provided, single submitter. Criteria: Invitae Variant Classification Sherloc (09022015). Collection method: clinical testing. Allele origin: germline.
Comment: This sequence change replaces threonine, which is neutral and polar, with serine, which is neutral and polar, at codon 805 of the ITGAM protein (p.Thr805Ser). This variant is present in population databases (rs764034739, gnomAD 0.0009%). This variant has not been reported in the literature in individuals affected with ITGAM-related conditions. An algorithm developed to predict the effect of missense changes on protein structure and function (PolyPhen-2) suggests that this variant is likely to be disruptive. In summary, the available evidence is currently insufficient to determine the role of this variant in disease. Therefore, it has been classified as a Variant of Uncertain Significance.